The following is an entry in ClinVar:

NM_170675.5(MEIS2):c.927G>T (p.Lys309Asn)

Gene: MEIS2 (Meis homeobox 2; minus strand). Cytogenetic location: 15q14.
Variant type: single nucleotide variant.
Coding change: c.927G>T on transcript NM_170675.5 (MANE Select); coding-DNA position 927, G replaced by T.
Protein change: p.Lys309Asn; replaces lysine 309 with asparagine.
Molecular consequence: missense variant.
Genome position (GRCh38, 1-based): chr15:36,950,374, C>A on the plus strand (G>T on the coding strand, the complement: MEIS2 is on the minus strand). VCF-style: chr15-36950374-C-A. GRCh37 (hg19) VCF-style: chr15-37242575-C-A.
Other names: c.927G>T, p.Lys309Asn (NM_001220482.2, NM_170674.5, NM_170676.5 and 1 more transcripts); c.888G>T, p.Lys296Asn (NM_002399.4, NM_172315.3); c.663G>T, p.Lys221Asn (NM_172316.3); short protein forms K221N, K296N, K309N.
Identifiers: ClinVar variation 4883146 (VCV004883146.2).

ClinVar aggregate classification (germline): Uncertain significance (1 of 4 stars; one submission).

Submission:

Dasa
Classification: Uncertain significance. Last evaluated: 2025-09-10. Review status: criteria provided, single submitter. Criteria: DASA Assertion Criteria. Collection method: clinical testing. Allele origin: germline.
Comment: NM_170675.5(MEIS2):c.927G>T (p.Lys309Asn) is a missense variant that results in the substitution of lysine with asparagine. The affected residue or protein region has prior evidence supporting clinical relevance. This variant is absent from population databases. Computational prediction algorithms are consistent with a deleterious effect. The currently available literature and clinical evidence are not sufficient to establish a definitive association between this variant and the reported condition. Therefore, this variant is classified as a variant of uncertain significance.